The following is an entry in ClinVar:

ClinVar aggregate classification (germline): Likely benign. Review status: criteria provided, multiple submitters, no conflicts (2 of 4 stars). 2 submissions from 2 submitters: Likely benign (2). Last evaluated 2026-03-01.

Allele frequency attached by ClinVar (database versions not stated): gnomAD exomes 0.00025; ExAC 0.00083; 1000 Genomes Project 30x 0.00172; 1000 Genomes Project 0.00220; gnomAD 0.00251; TOPMed 0.00284; ESP Exome Variant Server 0.00358.

Submissions (2):

CeGaT Center for Human Genetics Tuebingen
Classification: Likely benign. Last evaluated: 2026-03-01. Review status: criteria provided, single submitter. Criteria: CeGaT Center For Human Genetics Tuebingen Variant Classification Criteria Version 2. Collection method: clinical testing. Allele origin: germline. Affected: yes. Observed: 5 variant alleles.
Comment: GEMIN4: BP4, BP7

Blueprint Genetics
Classification: Likely benign. Last evaluated: 2024-10-14. Review status: criteria provided, single submitter. Criteria: ACMG Guidelines, 2015. Collection method: clinical testing. Allele origin: germline.

NM_015721.3(GEMIN4):c.3090C>T (p.His1030=)

Gene: GEMIN4 (gem nuclear organelle associated protein 4; minus strand). Cytogenetic location: 17p13.3.
Variant type: single nucleotide variant.
Coding change: c.3090C>T on transcript NM_015721.3 (MANE Select); coding-DNA position 3090, C replaced by T.
Protein change: p.His1030=; no amino-acid change (histidine 1030 retained).
Molecular consequence: synonymous variant.
Genome position (GRCh38, 1-based): chr17:744,953, G>A on the plus strand (C>T on the coding strand, the complement: GEMIN4 is on the minus strand). VCF-style: chr17-744953-G-A. GRCh37 (hg19) VCF-style: chr17-648193-G-A.
Identifiers: ClinVar variation 2647166 (VCV002647166.25), dbSNP rs367581258, ClinGen allele CA8262301.